The following is an entry in ClinVar:

ClinVar aggregate classification (germline): Conflicting classifications of pathogenicity. Review status: criteria provided, conflicting classifications (1 of 4 stars). 5 submissions from 5 submitters: Uncertain significance (3); Likely benign (2). Last evaluated 2026-01-28.

Conditions:
Cardiovascular phenotype. Identifiers: MedGen CN230736.
Hypercholesterolemia, autosomal dominant, type B (FHCL2). Also called: Familial Hypercholesterolemia Type B; Hyperlipoproteinemia Type IIb; APOLIPOPROTEIN B-100, FAMILIAL DEFECTIVE; APOLIPOPROTEIN B-100, FAMILIAL LIGAND-DEFECTIVE; APOB-Related Familial Hypercholesterolemia, Autosomal Dominant; HYPERCHOLESTEROLEMIA, FAMILIAL, DUE TO LIGAND-DEFECTIVE APOLIPOPROTEIN B. Identifiers: MedGen C1704417, MONDO:0007751, OMIM 144010.
Familial hypobetalipoproteinemia 1. Also called: APOB-Related Familial Hypobetalipoproteinemia; Hypobetalipoproteinemia, normotriglyceridemic; Acanthocytosis with hypobetalipoproteinemia. Identifiers: MedGen C4551990, MONDO:0014252, OMIM 615558.
Hypercholesterolemia, familial, 1. Also called: LDL RECEPTOR DISORDER; Hyperlipoproteinemia Type IIa; HYPER-LOW-DENSITY-LIPOPROTEINEMIA; HYPERCHOLESTEROLEMIC XANTHOMATOSIS, FAMILIAL; Fredrickson type IIa hyperlipoproteinemia; Hyperlipoproteinemia type 2. Identifiers: Orphanet 391665, MedGen C0745103, MONDO:0007750, OMIM 143890.

Allele frequency attached by ClinVar (database versions not stated): gnomAD exomes 0.00001; ExAC 0.00002; gnomAD 0.00005; TOPMed 0.00005.
gnomAD v4.1: 12 of 1,613,996 alleles (0.00074%); highest among the groups gnomAD compares: Admixed American, 0.0067%; no homozygotes.

Submissions (5):

Labcorp Genetics (formerly Invitae), Labcorp
Classification: Likely benign for Familial hypobetalipoproteinemia 1; Hypercholesterolemia, autosomal dominant, type B. Last evaluated: 2026-01-28. Review status: criteria provided, single submitter. Criteria: Invitae Variant Classification Sherloc (09022015). Collection method: clinical testing. Allele origin: germline.

Ambry Genetics
Classification: Uncertain significance for Cardiovascular phenotype. Last evaluated: 2025-01-21. Review status: criteria provided, single submitter. Criteria: Ambry Variant Classification Scheme 2023. Collection method: clinical testing. Allele origin: germline.

GeneDx
Classification: Uncertain significance. Last evaluated: 2025-01-07. Review status: criteria provided, single submitter. Criteria: GeneDx Variant Classification Process June 2021. Collection method: clinical testing. Allele origin: germline. Affected: yes.
Comment: Not observed at significant frequency in large population cohorts (gnomAD); In silico analysis supports that this missense variant has a deleterious effect on protein structure/function; Reported in a patient with familial hypercholesterolemia (FH) in published literature (PMID: 37217153); This variant is associated with the following publications: (PMID: 37217153)

Blueprint Genetics
Classification: Uncertain significance. Last evaluated: 2023-03-28. Review status: criteria provided, single submitter. Criteria: ACMG Guidelines, 2015. Collection method: clinical testing. Allele origin: germline.

Robarts Research Institute, Western University
Classification: Likely benign for Hypercholesterolemia, familial, 1. Last evaluated: 2018-01-02. Review status: criteria provided, single submitter. Criteria: ACMG Guidelines, 2015. Collection method: clinical testing. Allele origin: germline. Inheritance: Autosomal dominant inheritance. Affected: yes.

NM_000384.3(APOB):c.2950G>A (p.Ala984Thr)

Gene: APOB (apolipoprotein B; minus strand). Cytogenetic location: 2p24.1.
Variant type: single nucleotide variant.
Coding change: c.2950G>A on transcript NM_000384.3 (MANE Select); coding-DNA position 2950, G replaced by A.
Protein change: p.Ala984Thr; replaces alanine 984 with threonine.
Molecular consequence: missense variant.
Genome position (GRCh38, 1-based): chr2:21,019,772, C>T on the plus strand (G>A on the coding strand, the complement: APOB is on the minus strand). VCF-style: chr2-21019772-C-T. GRCh37 (hg19) VCF-style: chr2-21242644-C-T.
Other names: short protein forms A984T.
Identifiers: ClinVar variation 548046 (VCV000548046.10), dbSNP rs752149683, ClinGen allele CA057591.